The following is an entry in ClinVar:

NM_001498.4(GCLC):c.1387C>T (p.Leu463=)

Genes: GCLC (glutamate-cysteine ligase catalytic subunit; minus strand), GCLC-AS1 (GCLC antisense RNA 1; plus strand). Cytogenetic location: 6p12.1.
Variant type: single nucleotide variant.
Coding change: c.1387C>T on transcript NM_001498.4 (MANE Select); coding-DNA position 1387, C replaced by T.
Protein change: p.Leu463=; no amino-acid change (leucine 463 retained).
Molecular consequence: synonymous variant.
Genome position (GRCh38, 1-based): chr6:53,505,400, G>A on the plus strand (C>T on the coding strand, the complement: GCLC is on the minus strand). VCF-style: chr6-53505400-G-A. GRCh37 (hg19) VCF-style: chr6-53370198-G-A.
Other names: c.1273C>T, p.Leu425= (NM_001197115.2).
Identifiers: ClinVar variation 4984306 (VCV004984306.1).

ClinVar aggregate classification (germline): Likely benign (1 of 4 stars; one submission).

Conditions:
GCLC-related disorder. Also called: GCLC-related condition.

gnomAD v4.1: 8 of 1,485,830 alleles (0.00054%); highest among the groups gnomAD compares: Non-Finnish European, 0.00075%; no homozygotes.

Submission:

PreventionGenetics, part of Exact Sciences
Classification: Likely benign for GCLC-related condition. Last evaluated: 2025-02-05. Review status: criteria provided, single submitter. Criteria: ACMG Guidelines, 2015. Collection method: clinical testing. Allele origin: germline.
Comment: This variant is classified as likely benign based on ACMG/AMP sequence variant interpretation guidelines (Richards et al. 2015 PMID: 25741868, with internal and published modifications).